The following is an entry in ClinVar:

ClinVar aggregate classification (germline): Uncertain significance. Review status: criteria provided, multiple submitters, no conflicts (2 of 4 stars). 2 submissions from 2 submitters: Uncertain significance (2). Last evaluated 2024-06-05.

Conditions:
Bloom syndrome (BLM). Also called: Bloom-Torre-Machacek syndrome. Identifiers: Orphanet 125, MedGen C0005859, MONDO:0008876, OMIM 210900.
Hereditary cancer-predisposing syndrome. Also called: Tumor predisposition; Hereditary neoplastic syndrome; Hereditary Cancer Syndrome; Neoplastic Syndromes, Hereditary. Identifiers: Orphanet 140162, MedGen C0027672, MeSH D009386, MONDO:0015356.

Submissions (2):

Ambry Genetics
Classification: Uncertain significance for Hereditary cancer-predisposing syndrome. Last evaluated: 2024-06-05. Review status: criteria provided, single submitter. Criteria: Ambry Variant Classification Scheme 2023. Collection method: clinical testing. Allele origin: germline.
Comment: The p.Y430F variant (also known as c.1289A>T), located in coding exon 6 of the BLM gene, results from an A to T substitution at nucleotide position 1289. The tyrosine at codon 430 is replaced by phenylalanine, an amino acid with highly similar properties. This amino acid position is conserved. In addition, this alteration is predicted to be tolerated by in silico analysis. Based on the available evidence, the clinical significance of this variant remains unclear.

Labcorp Genetics (formerly Invitae), Labcorp
Classification: Uncertain significance for Bloom syndrome. Last evaluated: 2023-04-26. Review status: criteria provided, single submitter. Criteria: Invitae Variant Classification Sherloc (09022015). Collection method: clinical testing. Allele origin: germline.
Comment: This variant has not been reported in the literature in individuals affected with BLM-related conditions. This variant is not present in population databases (gnomAD no frequency). This sequence change replaces tyrosine, which is neutral and polar, with phenylalanine, which is neutral and non-polar, at codon 430 of the BLM protein (p.Tyr430Phe). Advanced modeling of protein sequence and biophysical properties (such as structural, functional, and spatial information, amino acid conservation, physicochemical variation, residue mobility, and thermodynamic stability) performed at Invitae indicates that this missense variant is not expected to disrupt BLM protein function. In summary, the available evidence is currently insufficient to determine the role of this variant in disease. Therefore, it has been classified as a Variant of Uncertain Significance.

NM_000057.4(BLM):c.1289A>T (p.Tyr430Phe)

Gene: BLM (BLM RecQ like helicase; plus strand). Cytogenetic location: 15q26.1.
Variant type: single nucleotide variant.
Coding change: c.1289A>T on transcript NM_000057.4 (MANE Select); coding-DNA position 1289, A replaced by T.
Protein change: p.Tyr430Phe; replaces tyrosine 430 with phenylalanine.
Molecular consequence: missense variant.
Genome position (GRCh38, 1-based): chr15:90,760,662, A>T. VCF-style: chr15-90760662-A-T. GRCh37 (hg19) VCF-style: chr15-91303892-A-T.
Other names: c.1289A>T, p.Tyr430Phe (NM_001287246.2, NM_001287247.2); c.164A>T, p.Tyr55Phe (NM_001287248.2); short protein forms Y430F, Y55F.
Identifiers: ClinVar variation 2983557 (VCV002983557.4), dbSNP rs2151157877, ClinGen allele CA393842739.